The following is an entry in ClinVar:

ClinVar aggregate classification (germline): Conflicting classifications of pathogenicity. Review status: criteria provided, conflicting classifications (1 of 4 stars). 5 submissions from 5 submitters: Uncertain significance (4); Likely benign (1). Last evaluated 2025-06-25.

Allele frequency attached by ClinVar (database versions not stated): ExAC 0.00006; TOPMed 0.00016.
gnomAD v4.1: 113 of 1,555,070 alleles (0.0073%); highest among the groups gnomAD compares: Middle Eastern, 0.1%; no homozygotes.

Submissions (5):

GeneDx
Classification: Uncertain significance. Last evaluated: 2025-06-25. Review status: criteria provided, single submitter. Criteria: GeneDx Variant Classification Process June 2021. Collection method: clinical testing. Allele origin: germline.
Comment: In silico analysis supports that this missense variant has a deleterious effect on protein structure/function; Has not been previously published as pathogenic or benign to our knowledge; This variant is associated with the following publications: (PMID: 27535533)

Blueprint Genetics
Classification: Likely benign. Last evaluated: 2024-09-23. Review status: criteria provided, single submitter. Criteria: ACMG Guidelines, 2015. Collection method: clinical testing. Allele origin: germline.

Women's Health and Genetics/Laboratory Corporation of America, LabCorp
Classification: Uncertain significance. Last evaluated: 2024-06-19. Review status: criteria provided, single submitter. Criteria: LabCorp Variant Classification Summary - May 2015. Collection method: clinical testing. Allele origin: germline.
Comment: Variant summary: CCDC88C c.5668C>A (p.Pro1890Thr) results in a non-conservative amino acid change in the encoded protein sequence. Three of five in-silico tools predict a damaging effect of the variant on protein function. The variant allele was found at a frequency of 0.00024 in 156492 control chromosomes. This frequency is not significantly higher than estimated for a pathogenic variant in CCDC88C causing CCDC88C-Related Disorders, allowing no conclusion about variant significance. To our knowledge, no occurrence of c.5668C>A in individuals affected with CCDC88C-Related Disorders and no experimental evidence demonstrating its impact on protein function have been reported. ClinVar contains an entry for this variant (Variation ID: 2074425). Based on the evidence outlined above, the variant was classified as uncertain significance.

Revvity Omics, Revvity
Classification: Uncertain significance. Last evaluated: 2024-04-04. Review status: criteria provided, single submitter. Criteria: ACMG Guidelines, 2015. Collection method: clinical testing. Allele origin: germline.

Labcorp Genetics (formerly Invitae), Labcorp
Classification: Uncertain significance. Last evaluated: 2022-07-06. Review status: criteria provided, single submitter. Criteria: Invitae Variant Classification Sherloc (09022015). Collection method: clinical testing. Allele origin: germline.
Comment: This sequence change replaces proline, which is neutral and non-polar, with threonine, which is neutral and polar, at codon 1890 of the CCDC88C protein (p.Pro1890Thr). This variant is present in population databases (rs766949856, gnomAD 0.1%). This variant has not been reported in the literature in individuals affected with CCDC88C-related conditions. Algorithms developed to predict the effect of missense changes on protein structure and function are either unavailable or do not agree on the potential impact of this missense change (SIFT: "Deleterious"; PolyPhen-2: "Probably Damaging"; Align-GVGD: "Class C0"). In summary, the available evidence is currently insufficient to determine the role of this variant in disease. Therefore, it has been classified as a Variant of Uncertain Significance.

NM_001080414.4(CCDC88C):c.5668C>A (p.Pro1890Thr)

Gene: CCDC88C (coiled-coil and HOOK domain protein 88C; minus strand). Cytogenetic location: 14q32.11.
Variant type: single nucleotide variant.
Coding change: c.5668C>A on transcript NM_001080414.4 (MANE Select); coding-DNA position 5668, C replaced by A.
Protein change: p.Pro1890Thr; replaces proline 1890 with threonine.
Molecular consequence: missense variant.
Genome position (GRCh38, 1-based): chr14:91,273,044, G>T on the plus strand (C>A on the coding strand, the complement: CCDC88C is on the minus strand). VCF-style: chr14-91273044-G-T. GRCh37 (hg19) VCF-style: chr14-91739388-G-T.
Other names: c.5668C>A (NM_001080414.3); short protein forms P1890T.
Identifiers: ClinVar variation 2074425 (VCV002074425.8), dbSNP rs766949856, ClinGen allele CA7308609.